The following is an entry in ClinVar:

NM_004415.4(DSP):c.5816_5822del (p.Ile1939fs)

Gene: DSP (desmoplakin; plus strand). Cytogenetic location: 6p24.3.
Variant type: Deletion.
Coding change: c.5816_5822del on transcript NM_004415.4 (MANE Select); coding-DNA positions 5816 to 5822, 7 bases deleted (TTGATAA; older notation c.5816_5822delTTGATAA).
Protein change: p.Ile1939fs; shifts the reading frame from isoleucine 1939.
Molecular consequence: frameshift variant.
Genome position (GRCh38, 1-based): chr6:7,583,078-7,583,084, TTGATAA deleted; deleting any 7 consecutive bases within chr6:7,583,077-7,583,084 gives the same sequence; the c. name uses the placement nearest the transcript's 3' end. VCF-style (leftmost placement, unchanged base first): chr6-7583076-GATTGATA-G. GRCh37 (hg19) VCF-style: chr6-7583309-GATTGATA-G.
Other names: c.4019_4025del, p.Ile1340fs (NM_001008844.3); c.4487_4493del, p.Ile1496fs (NM_001319034.2); short protein forms I1340fs, I1496fs, I1939fs.
Identifiers: ClinVar variation 4870122 (VCV004870122.1).

ClinVar aggregate classification (germline): Pathogenic (1 of 4 stars; one submission).

Conditions:
Cardiovascular phenotype. Identifiers: MedGen CN230736.

Submission:

Ambry Genetics
Classification: Pathogenic for Cardiovascular phenotype. Last evaluated: 2026-04-06. Review status: criteria provided, single submitter. Criteria: Ambry Variant Classification Scheme 2023. Collection method: clinical testing. Allele origin: germline.
Comment: The c.5816_5822delTTGATAA pathogenic mutation, located in coding exon 24 of the DSP gene, results from a deletion of 7 nucleotides at nucleotide positions 5816 to 5822, causing a translational frameshift with a predicted alternate stop codon (p.I1939Nfs*31). This variant is considered to be rare based on population cohorts in the Genome Aggregation Database (gnomAD). This alteration is expected to result in loss of function by premature protein truncation or nonsense-mediated mRNA decay. As such, this alteration is interpreted as a disease-causing mutation.